The following is an entry in ClinVar:

NM_000836.4(GRIN2D):c.745G>A (p.Ala249Thr)

Gene: GRIN2D (glutamate ionotropic receptor NMDA type subunit 2D; plus strand). Cytogenetic location: 19q13.33.
Variant type: single nucleotide variant.
Coding change: c.745G>A on transcript NM_000836.4 (MANE Select); coding-DNA position 745, G replaced by A.
Protein change: p.Ala249Thr; replaces alanine 249 with threonine.
Molecular consequence: missense variant.
Genome position (GRCh38, 1-based): chr19:48,405,013, G>A. VCF-style: chr19-48405013-G-A. GRCh37 (hg19) VCF-style: chr19-48908270-G-A.
Other names: c.745G>A (NM_000836.2); short protein forms A249T.
Identifiers: ClinVar variation 2859307 (VCV002859307.4), dbSNP rs758239148, ClinGen allele CA406692118.

ClinVar aggregate classification (germline): Uncertain significance. Review status: criteria provided, multiple submitters, no conflicts (2 of 4 stars). 2 submissions from 2 submitters: Uncertain significance (2). Last evaluated 2025-02-22.

Conditions:
Inborn genetic diseases. Identifiers: MedGen C0950123, MeSH D030342.

Allele frequency attached by ClinVar (database versions not stated): TOPMed below 0.00001; gnomAD 0.00001.
gnomAD v4.1: 20 of 1,612,128 alleles (0.0012%); highest among the groups gnomAD compares: Non-Finnish European, 0.0017%; no homozygotes.

Submissions (2):

Ambry Genetics
Classification: Uncertain significance for Inborn genetic diseases. Last evaluated: 2025-02-22. Review status: criteria provided, single submitter. Criteria: Ambry Variant Classification Scheme 2023. Collection method: clinical testing. Allele origin: germline.

Labcorp Genetics (formerly Invitae), Labcorp
Classification: Uncertain significance. Last evaluated: 2024-01-17. Review status: criteria provided, single submitter. Criteria: Invitae Variant Classification Sherloc (09022015). Collection method: clinical testing. Allele origin: germline.
Comment: This sequence change replaces alanine, which is neutral and non-polar, with threonine, which is neutral and polar, at codon 249 of the GRIN2D protein (p.Ala249Thr). This variant is not present in population databases (gnomAD no frequency). This variant has not been reported in the literature in individuals affected with GRIN2D-related conditions. Advanced modeling of protein sequence and biophysical properties (such as structural, functional, and spatial information, amino acid conservation, physicochemical variation, residue mobility, and thermodynamic stability) performed at Invitae indicates that this missense variant is not expected to disrupt GRIN2D protein function with a negative predictive value of 80%. In summary, the available evidence is currently insufficient to determine the role of this variant in disease. Therefore, it has been classified as a Variant of Uncertain Significance.